The following is an entry in ClinVar:

NM_000439.5(PCSK1):c.1431-1G>C

Genes: CAST (calpastatin; plus strand), PCSK1 (proprotein convertase subtilisin/kexin type 1; minus strand), LOC101929710 (uncharacterized LOC101929710; plus strand). Cytogenetic location: 5q15.
Variant type: single nucleotide variant.
Coding change: c.1431-1G>C on transcript NM_000439.5 (MANE Select); the canonical splice acceptor site of the intron before coding-DNA position 1431, G replaced by C.
Molecular consequence: splice acceptor variant. On other transcripts: intron variant (11).
Genome position (GRCh38, 1-based): chr5:96,399,037, C>G on the plus strand (G>C on the coding strand, the complement: PCSK1 is on the minus strand). VCF-style: chr5-96399037-C-G. GRCh37 (hg19) VCF-style: chr5-95734741-C-G.
Other names: c.1290-1G>C (NM_001177875.2); c.-175+19385C>G (NM_001423254.1, NM_001423259.1, NM_001423255.1 and 6 more transcripts); c.-103+19385C>G (NM_001423253.1); c.-40+19385C>G (NM_001423258.1).
Identifiers: ClinVar variation 4999963 (VCV004999963.1).

ClinVar aggregate classification (germline): Uncertain significance (1 of 4 stars; one submission).

Conditions:
PCSK1-related disorder. Also called: PCSK1-related condition.

Submission:

PreventionGenetics, part of Exact Sciences
Classification: Uncertain significance for PCSK1-related condition. Last evaluated: 2024-12-10. Review status: criteria provided, single submitter. Criteria: ACMG Guidelines, 2015. Collection method: clinical testing. Allele origin: germline.
Comment: The PCSK1 c.1431-1G>C variant is predicted to disrupt the AG splice acceptor site and interfere with normal splicing. To our knowledge, this variant has not been reported in the literature or in a large population database (gnomAD), indicating this variant is rare. While this variant disrupts the consensus splice acceptor site, to date only a single premature protein termination variant has been reported 3’ to this location in the PCSK1 gene (ClinVar Variation ID: 1333251). Although we suspect that this variant may be pathogenic, at this time, the clinical significance of this variant is uncertain due to the absence of conclusive functional and genetic evidence.